The following is an entry in ClinVar:

ClinVar aggregate classification (germline): Pathogenic (1 of 4 stars; one submission).

Submission:

Labcorp Genetics (formerly Invitae), Labcorp
Classification: Pathogenic. Last evaluated: 2024-01-15. Review status: criteria provided, single submitter. Criteria: Invitae Variant Classification Sherloc (09022015). Collection method: clinical testing. Allele origin: germline.
Comment: This sequence change creates a premature translational stop signal (p.Glu271Asnfs*80) in the LZTR1 gene. It is expected to result in an absent or disrupted protein product. Loss-of-function variants in LZTR1 are known to be pathogenic (PMID: 24362817, 25335493, 25480913, 25795793, 29469822, 30368668, 30442762, 30442766, 30481304, 30859559). This variant is not present in population databases (gnomAD no frequency). This variant has not been reported in the literature in individuals affected with LZTR1-related conditions. For these reasons, this variant has been classified as Pathogenic.

Literature cited by the submitters: PubMed 24362817; PubMed 25335493; PubMed 25480913; PubMed 25795793; PubMed 29469822; PubMed 30368668; PubMed 30442762; PubMed 30442766; PubMed 30481304; PubMed 30859559.

NM_006767.4(LZTR1):c.810del (p.Glu271fs)

Gene: LZTR1 (leucine zipper like post translational regulator 1; plus strand). Cytogenetic location: 22q11.21.
Variant type: Deletion.
Coding change: c.810del on transcript NM_006767.4 (MANE Select); coding-DNA position 810, one base deleted (T; older notation c.810delT).
Protein change: p.Glu271fs; shifts the reading frame from glutamic acid 271.
Molecular consequence: frameshift variant.
Genome position (GRCh38, 1-based): chr22:20,991,646, T deleted. VCF-style (leftmost placement, unchanged base first): chr22-20991645-CT-C. GRCh37 (hg19) VCF-style: chr22-21345934-CT-C.
Other names: short protein forms E271fs.
Identifiers: ClinVar variation 2125424 (VCV002125424.4), dbSNP rs2518616952, ClinGen allele CA2580099208.